The following is an entry in ClinVar:

NM_003482.4(KMT2D):c.16338+1G>T

Gene: KMT2D (lysine methyltransferase 2D; minus strand). Cytogenetic location: 12q13.12.
Variant type: single nucleotide variant.
Coding change: c.16338+1G>T on transcript NM_003482.4 (MANE Select); the canonical splice donor site of the intron after coding-DNA position 16338, G replaced by T.
Molecular consequence: splice donor variant.
Genome position (GRCh38, 1-based): chr12:49,022,589, C>A on the plus strand (G>T on the coding strand, the complement: KMT2D is on the minus strand). VCF-style: chr12-49022589-C-A. GRCh37 (hg19) VCF-style: chr12-49416372-C-A.
Identifiers: ClinVar variation 547509 (VCV000547509.2), dbSNP rs1555184782, ClinGen allele CA384677302.

ClinVar aggregate classification (germline): Pathogenic/Likely pathogenic. Review status: criteria provided, multiple submitters, no conflicts (2 of 4 stars). 2 submissions from 2 submitters: Pathogenic (1); Likely pathogenic (1). Last evaluated 2023-08-25.

Conditions:
Kabuki syndrome 1 (KABUK1). Also called: KMT2D-Related Kabuki Syndrome. Identifiers: Orphanet 2322, MedGen CN030661, MONDO:0007843, OMIM 147920.

Submissions (2):

3billion
Classification: Pathogenic for Kabuki syndrome 1. Last evaluated: 2023-08-25. Review status: criteria provided, single submitter. Criteria: ACMG Guidelines, 2015. Collection method: clinical testing. Allele origin: germline. Affected: yes.
Comment: The variant is not observed in the gnomAD v2.1.1 dataset. Predicted Consequence/Location: Canonical splice site: predicted to alter splicing and result in a loss or disruption of normal protein function. Multiple pathogenic loss-of-function variants are reported downstream of the variant. The variant has been reported to be associated with KMT2D related disorder (ClinVar ID: VCV000547509 /PMID: 23913813). Therefore, this variant is classified as Pathogenic according to the recommendation of ACMG/AMP guideline.

Center for Human Genetics, Inc
Classification: Likely pathogenic for Kabuki syndrome 1. Last evaluated: 2016-11-01. Review status: criteria provided, single submitter. Criteria: ACMG Guidelines, 2015. Collection method: clinical testing. Allele origin: germline. Affected: yes.

Literature cited by the submitters: PubMed 23913813 (cited by 3billion).